The following is an entry in ClinVar:

ClinVar aggregate classification (germline): Likely benign. Review status: criteria provided, multiple submitters, no conflicts (2 of 4 stars). 3 submissions from 3 submitters: Likely benign (2). 1 of the submissions does not count toward it. Last evaluated 2025-02-21.

Conditions:
RAI1-related disorder. Also called: RAI1-related condition.

Allele frequency attached by ClinVar (database versions not stated): TOPMed below 0.00001; gnomAD 0.00001; gnomAD exomes 0.00001; ExAC 0.00002.
gnomAD v4.1: 16 of 1,613,822 alleles (0.00099%); highest among the groups gnomAD compares: South Asian, 0.0022%; no homozygotes.

Submissions (3):

Labcorp Genetics (formerly Invitae), Labcorp
Classification: Likely benign. Last evaluated: 2025-02-21. Review status: criteria provided, single submitter. Criteria: Invitae Variant Classification Sherloc (09022015). Collection method: clinical testing. Allele origin: germline.

CeGaT Center for Human Genetics Tuebingen
Classification: Likely benign. Last evaluated: 2022-05-01. Review status: criteria provided, single submitter. Criteria: CeGaT Center For Human Genetics Tuebingen Variant Classification Criteria Version 2. Collection method: clinical testing. Allele origin: germline. Affected: yes. Observed: 1 variant allele.
Comment: RAI1: BP4, BP7

PreventionGenetics, part of Exact Sciences
Classification: Likely benign for RAI1-related condition. Last evaluated: 2021-12-03. Review status: no assertion criteria provided. Collection method: clinical testing. Allele origin: germline. Not counted in ClinVar's aggregate classification.
Comment: This variant is classified as likely benign based on ACMG/AMP sequence variant interpretation guidelines (Richards et al. 2015 PMID: 25741868, with internal and published modifications).

NM_030665.4(RAI1):c.1047C>T (p.Ser349=)

Gene: RAI1 (retinoic acid induced 1; plus strand). Cytogenetic location: 17p11.2.
Variant type: single nucleotide variant.
Coding change: c.1047C>T on transcript NM_030665.4 (MANE Select); coding-DNA position 1047, C replaced by T.
Protein change: p.Ser349=; no amino-acid change (serine 349 retained).
Molecular consequence: synonymous variant.
Genome position (GRCh38, 1-based): chr17:17,793,995, C>T. VCF-style: chr17-17793995-C-T. GRCh37 (hg19) VCF-style: chr17-17697309-C-T.
Other names: c.1047C>T (NM_030665.3).
Identifiers: ClinVar variation 1904554 (VCV001904554.29), dbSNP rs779996400, ClinGen allele CA8418258.